The following is an entry in ClinVar:

ClinVar aggregate classification (germline): Benign. Review status: criteria provided, multiple submitters, no conflicts (2 of 4 stars). 2 submissions from 2 submitters: Benign (2). Last evaluated 2023-01-01.

Allele frequency attached by ClinVar (database versions not stated): gnomAD 0.00026 and 0.00042; TOPMed 0.00046; gnomAD exomes 0.00056 and 0.00082; ExAC 0.00096; 1000 Genomes Project 0.00260; 1000 Genomes Project 30x 0.00281.
gnomAD v4.1: 882 of 1,614,096 alleles (0.055%); highest among the groups gnomAD compares: East Asian, 1.7%; 14 homozygotes.

Submissions (2):

CeGaT Center for Human Genetics Tuebingen
Classification: Benign. Last evaluated: 2023-01-01. Review status: criteria provided, single submitter. Criteria: CeGaT Center For Human Genetics Tuebingen Variant Classification Criteria Version 2. Collection method: clinical testing. Allele origin: germline. Affected: yes. Observed: 1 variant allele.
Comment: VWA3B: BP4, BS1, BS2

Labcorp Genetics (formerly Invitae), Labcorp
Classification: Benign. Last evaluated: 2018-07-27. Review status: criteria provided, single submitter. Criteria: Invitae Variant Classification Sherloc (09022015). Collection method: clinical testing. Allele origin: germline.

NM_144992.5(VWA3B):c.1072G>A (p.Val358Met)

Gene: VWA3B (von Willebrand factor A domain containing 3B; plus strand). Cytogenetic location: 2q11.2.
Variant type: single nucleotide variant.
Coding change: c.1072G>A on transcript NM_144992.5 (MANE Select); coding-DNA position 1072, G replaced by A.
Protein change: p.Val358Met; replaces valine 358 with methionine.
Molecular consequence: missense variant. On other transcripts: non-coding transcript variant (3).
Genome position (GRCh38, 1-based): chr2:98,162,934, G>A. VCF-style: chr2-98162934-G-A. GRCh37 (hg19) VCF-style: chr2-98779397-G-A.
Other names: c.43G>A, p.Val15Met (NM_001345864.2); short protein forms V15M, V358M.
Identifiers: ClinVar variation 756021 (VCV000756021.27), dbSNP rs149236888, ClinGen allele CA1792414.
Genomic context (GRCh38, chr2:98,162,934, plus strand): 5'-TTTCTCGTTTGGCAAGAGATGGAGGAAGCCTGCAGCACGCTGGCCCAGATCCAGAGGCTG[G>A]TGGCCGAGCCTCCCAAGCCCGACGTGGCCACTGTGGACTGCGGTTGGTGCTATTTCTGGT-3'
Protein context (NP_659429.4, residues 348-368): CSTLAQIQRL[Val358Met]AEPPKPDVAT